The following is an entry in ClinVar:

ClinVar aggregate classification (germline): Uncertain significance (1 of 4 stars; one submission).

Conditions:
Cognitive impairment - coarse facies - heart defects - obesity - pulmonary involvement - short stature - skeletal dysplasia syndrome. Also called: Chops syndrome; AFF4-Related CHOPS Syndrome; COGNITIVE IMPAIRMENT, COARSE FACIES, HEART DEFECTS, OBESITY, PULMONARY INVOLVEMENT, SHORT STATURE, AND SKELETAL DYSPLASIA. Identifiers: Orphanet 444077, MedGen C4085597, MONDO:0014609, OMIM 616368.

Submission:

Labcorp Genetics (formerly Invitae), Labcorp
Classification: Uncertain significance for Cognitive impairment - coarse facies - heart defects - obesity - pulmonary involvement - short stature - skeletal dysplasia syndrome. Last evaluated: 2023-08-27. Review status: criteria provided, single submitter. Criteria: Invitae Variant Classification Sherloc (09022015). Collection method: clinical testing. Allele origin: germline.
Comment: This variant has not been reported in the literature in individuals affected with AFF4-related conditions. This variant is not present in population databases (gnomAD no frequency). This sequence change falls in intron 2 of the AFF4 gene. It does not directly change the encoded amino acid sequence of the AFF4 protein. It affects a nucleotide within the consensus splice site. Variants that disrupt the consensus splice site are a relatively common cause of aberrant splicing (PMID: 17576681, 9536098). Algorithms developed to predict the effect of sequence changes on RNA splicing suggest that this variant is not likely to affect RNA splicing. In summary, the available evidence is currently insufficient to determine the role of this variant in disease. Therefore, it has been classified as a Variant of Uncertain Significance.

Literature cited by the submitters: PubMed 17576681; PubMed 9536098.

NM_014423.4(AFF4):c.124-3T>C

Gene: AFF4 (ALF transcription elongation factor 4; minus strand). Cytogenetic location: 5q31.1.
Variant type: single nucleotide variant.
Coding change: c.124-3T>C on transcript NM_014423.4 (MANE Select); 3 bases into the intron before coding-DNA position 124, T replaced by C.
Molecular consequence: intron variant.
Genome position (GRCh38, 1-based): chr5:132,934,944, A>G on the plus strand (T>C on the coding strand, the complement: AFF4 is on the minus strand). VCF-style: chr5-132934944-A-G. GRCh37 (hg19) VCF-style: chr5-132270636-A-G.
Identifiers: ClinVar variation 2783937 (VCV002783937.3), dbSNP rs2532577762, ClinGen allele CA2739275070.